The following is an entry in ClinVar:

ClinVar aggregate classification (germline): Uncertain significance (1 of 4 stars; one submission).

Conditions:
Ehlers-Danlos syndrome, kyphoscoliotic type 1 (EDSKSCL1). Also called: EHLERS-DANLOS SYNDROME, OCULAR-SCOLIOTIC TYPE; PLOD1-Related Kyphoscoliotic Ehlers-Danlos Syndrome; EHLERS-DANLOS SYNDROME, TYPE VIA; Ehlers-Danlos syndrome, hydroxylysine-deficient. Identifiers: Orphanet 1900, MedGen C0268342, MONDO:0016002, OMIM 225400. Disease mechanism: loss of function.

Allele frequency attached by ClinVar (database versions not stated): gnomAD exomes below 0.00001.
gnomAD v4.1: 1 of 1,611,842 alleles (0.000062%); highest among the groups gnomAD compares: East Asian, 0.0022%; no homozygotes.

Submission:

Labcorp Genetics (formerly Invitae), Labcorp
Classification: Uncertain significance for Ehlers-Danlos syndrome, kyphoscoliotic type 1. Last evaluated: 2021-09-02. Review status: criteria provided, single submitter. Criteria: Invitae Variant Classification Sherloc (09022015). Collection method: clinical testing. Allele origin: germline.
Comment: This sequence change replaces valine with leucine at codon 523 of the PLOD1 protein (p.Val523Leu). The valine residue is moderately conserved and there is a small physicochemical difference between valine and leucine. This variant is not present in population databases (ExAC no frequency). This variant has not been reported in the literature in individuals affected with PLOD1-related conditions. Algorithms developed to predict the effect of missense changes on protein structure and function (SIFT, PolyPhen-2, Align-GVGD) all suggest that this variant is likely to be tolerated. In summary, the available evidence is currently insufficient to determine the role of this variant in disease. Therefore, it has been classified as a Variant of Uncertain Significance.

NM_000302.4(PLOD1):c.1567G>T (p.Val523Leu)

Gene: PLOD1 (procollagen-lysine,2-oxoglutarate 5-dioxygenase 1; plus strand). Cytogenetic location: 1p36.22.
Variant type: single nucleotide variant.
Coding change: c.1567G>T on transcript NM_000302.4 (MANE Select); coding-DNA position 1567, G replaced by T.
Protein change: p.Val523Leu; replaces valine 523 with leucine.
Molecular consequence: missense variant.
Genome position (GRCh38, 1-based): chr1:11,965,576, G>T. VCF-style: chr1-11965576-G-T. GRCh37 (hg19) VCF-style: chr1-12025633-G-T.
Other names: c.1708G>T, p.Val570Leu (NM_001316320.2); short protein forms V570L, V523L.
Identifiers: ClinVar variation 1402754 (VCV001402754.5), dbSNP rs1429074293, ClinGen allele CA338445277.
Genomic context (GRCh38, chr1:11,965,576, plus strand): 5'-GGCCATCTGCTCTCCCTAGACAGCTACCGCACCACCCACCTGCACAACGACCTCTGGGAG[G>T]TGTTCAGCAACCCCGAGGTGAGGCCAGGGTGGGCACATAGGGGCTGGGAGCAAAGGGGCC-3'
Protein context (NP_000293.2, residues 513-533): TTHLHNDLWE[Val523Leu]FSNPEDWKEK